The following is an entry in ClinVar:

ClinVar aggregate classification (germline): Conflicting classifications of pathogenicity. Review status: criteria provided, conflicting classifications (1 of 4 stars). 7 submissions from 5 submitters: Likely pathogenic (3); Uncertain significance (4). Last evaluated 2024-04-02.

Conditions:
Retinitis pigmentosa 12 (RP12). Also called: RP WITH OR WITHOUT PPRPE; RP WITH OR WITHOUT PRESERVED PARAARTERIOLE RETINAL PIGMENT EPITHELIUM; RETINITIS PIGMENTOSA WITH OR WITHOUT PARAARTERIOLAR PRESERVATION OF RETINAL PIGMENT EPITHELIUM. Identifiers: Orphanet 791, MedGen C1838647, MONDO:0010818, OMIM 600105.
Leber congenital amaurosis 8 (LCA8). Identifiers: Orphanet 65, MedGen C3151202, MONDO:0013453, OMIM 613835.
Pigmented paravenous retinochoroidal atrophy. Identifiers: Orphanet 251295, MedGen C1868310, MONDO:0008246, OMIM 172870.
CRB1-related disorder. Also called: CRB1-related condition; CRB1-related disorders.

Allele frequency attached by ClinVar (database versions not stated): gnomAD exomes below 0.00001; gnomAD 0.00001; TOPMed 0.00001.
gnomAD v4.1: 4 of 1,614,038 alleles (0.00025%); highest among the groups gnomAD compares: Non-Finnish European, 0.00025%; no homozygotes.

Submissions (7):

Fulgent Genetics
Classification: Likely pathogenic for Pigmented paravenous retinochoroidal atrophy; Retinitis pigmentosa 12; Leber congenital amaurosis 8. Last evaluated: 2024-04-02. Review status: criteria provided, single submitter. Criteria: ACMG Guidelines, 2015. Collection method: clinical testing. Allele origin: germline.

Labcorp Genetics (formerly Invitae), Labcorp
Classification: Likely pathogenic for Leber congenital amaurosis 8; Retinitis pigmentosa 12. Last evaluated: 2023-11-24. Review status: criteria provided, single submitter. Criteria: Invitae Variant Classification Sherloc (09022015). Collection method: clinical testing. Allele origin: germline.
Comment: This sequence change replaces glycine, which is neutral and non-polar, with arginine, which is basic and polar, at codon 454 of the CRB1 protein (p.Gly454Arg). This variant is present in population databases (no rsID available, gnomAD 0.007%). This missense change has been observed in individuals with CRB1-related conditions (PMID: 20079931, 35119454). ClinVar contains an entry for this variant (Variation ID: 2202907). Advanced modeling of protein sequence and biophysical properties (such as structural, functional, and spatial information, amino acid conservation, physicochemical variation, residue mobility, and thermodynamic stability) performed at Invitae indicates that this missense variant is expected to disrupt CRB1 protein function with a positive predictive value of 95%. In summary, the currently available evidence indicates that the variant is pathogenic, but additional data are needed to prove that conclusively. Therefore, this variant has been classified as Likely Pathogenic.

Women's Health and Genetics/Laboratory Corporation of America, LabCorp
Classification: Uncertain significance. Last evaluated: 2023-07-26. Review status: criteria provided, single submitter. Criteria: LabCorp Variant Classification Summary - May 2015. Collection method: clinical testing. Allele origin: germline.
Comment: Variant summary: CRB1 c.1360G>A (p.Gly454Arg) results in a non-conservative amino acid change located in the EGF-like domain (IPR000742) of the encoded protein sequence. Five of five in-silico tools predict a damaging effect of the variant on protein function. The variant was absent in 251442 control chromosomes (gnomAD). c.1360G>A has been reported in the literature as a homozygous genotype in one individual and in the heterozygous state in cis with an unclassified in-frame deletion variant (c.493_501del, p.Asp165_Ile167del) in a second individual, both affected with Leber congenital amaurosis (e.g. Yzer_2006, Walia_2010). These data indicate that the variant may be associated with disease. To our knowledge, no experimental evidence demonstrating an impact on protein function has been reported. The following publications have been ascertained in the context of this evaluation (PMID: 20079931, 16936081). One submitter has provided a clinical-significance assessment for this variant to ClinVar after 2014 and has classified the variant as uncertain significance. Based on the evidence outlined above, the variant was classified as VUS-possibly pathogenic.

Genome-Nilou Lab
Classification: Uncertain significance for Leber congenital amaurosis 8. Last evaluated: 2023-04-11. Review status: criteria provided, single submitter. Criteria: ACMG Guidelines, 2015. Collection method: clinical testing. Allele origin: germline. Affected: no.

Genome-Nilou Lab
Classification: Uncertain significance for Pigmented paravenous retinochoroidal atrophy. Last evaluated: 2023-04-11. Review status: criteria provided, single submitter. Criteria: ACMG Guidelines, 2015. Collection method: clinical testing. Allele origin: germline. Affected: no.

Genome-Nilou Lab
Classification: Uncertain significance for Retinitis pigmentosa 12. Last evaluated: 2023-04-11. Review status: criteria provided, single submitter. Criteria: ACMG Guidelines, 2015. Collection method: clinical testing. Allele origin: germline. Affected: no.

Blueprint Genetics
Classification: Likely pathogenic for CRB1-related disorders. Last evaluated: 2021-09-07. Review status: criteria provided, single submitter. Criteria: ACMG Guidelines, 2015. Collection method: clinical testing. Allele origin: germline. Affected: yes. Observed: 2 variant alleles.

Literature cited by the submitters: PubMed 20079931 (cited by Labcorp Genetics (formerly Invitae), Labcorp and Women's Health and Genetics/Laboratory Corporation of America, LabCorp); PubMed 35119454 (cited by Labcorp Genetics (formerly Invitae), Labcorp); PubMed 16936081 (cited by Women's Health and Genetics/Laboratory Corporation of America, LabCorp).

NM_201253.3(CRB1):c.1360G>A (p.Gly454Arg)

Gene: CRB1 (crumbs cell polarity complex component 1; plus strand). Cytogenetic location: 1q31.3.
Variant type: single nucleotide variant.
Coding change: c.1360G>A on transcript NM_201253.3 (MANE Select); coding-DNA position 1360, G replaced by A.
Protein change: p.Gly454Arg; replaces glycine 454 with arginine.
Molecular consequence: missense variant. On other transcripts: non-coding transcript variant (2).
Genome position (GRCh38, 1-based): chr1:197,421,188, G>A. VCF-style: chr1-197421188-G-A. GRCh37 (hg19) VCF-style: chr1-197390318-G-A.
Other names: c.1024G>A, p.Gly342Arg (NM_001193640.2); c.1153G>A, p.Gly385Arg (NM_001257965.2); c.1360G>A, p.Gly454Arg (NM_001257966.2); c.1360G>A (NM_201253.2); short protein forms G454R, G342R, G385R.
Identifiers: ClinVar variation 2202907 (VCV002202907.8), dbSNP rs954595597, ClinGen allele CA35893417.